The following is an entry in ClinVar:

ClinVar aggregate classification (germline): Uncertain significance (1 of 4 stars; one submission).

Conditions:
Hereditary cancer-predisposing syndrome. Also called: Neoplastic Syndromes, Hereditary; Tumor predisposition; Hereditary neoplastic syndrome; Hereditary Cancer Syndrome. Identifiers: Orphanet 140162, MedGen C0027672, MeSH D009386, MONDO:0015356.

Submission:

Ambry Genetics
Classification: Uncertain significance for Hereditary cancer-predisposing syndrome. Last evaluated: 2026-07-06. Review status: criteria provided, single submitter. Criteria: Ambry Variant Classification Scheme 2023. Collection method: clinical testing. Allele origin: germline.
Comment: The p.Q299H variant (also known as c.897G>C), located in coding exon 8 of the PTCH1 gene, results from a G to C substitution at nucleotide position 897. The glutamine at codon 299 is replaced by histidine, an amino acid with highly similar properties. This amino acid position is conserved. In addition, the in silico prediction for this alteration is inconclusive. Based on the available evidence, the clinical significance of this variant remains unclear.

NM_000264.5(PTCH1):c.1095G>C (p.Gln365His)

Gene: PTCH1 (patched 1; minus strand). Cytogenetic location: 9q22.32.
Variant type: single nucleotide variant.
Coding change: c.1095G>C on transcript NM_000264.5 (MANE Select); coding-DNA position 1095, G replaced by C.
Protein change: p.Gln365His; replaces glutamine 365 with histidine.
Molecular consequence: missense variant. On other transcripts: non-coding transcript variant (1).
Genome position (GRCh38, 1-based): chr9:95,479,120, C>G on the plus strand (G>C on the coding strand, the complement: PTCH1 is on the minus strand). VCF-style: chr9-95479120-C-G. GRCh37 (hg19) VCF-style: chr9-98241402-C-G.
Other names: c.897G>C, p.Gln299His (NM_001083602.3); c.1092G>C, p.Gln364His (NM_001083603.3); c.642G>C, p.Gln214His (NM_001083604.3, NM_001083605.3, NM_001083606.3 and 1 more transcripts); c.1095G>C, p.Gln365His (NM_001354918.2); short protein forms Q214H, Q299H, Q365H, Q364H.
Identifiers: ClinVar variation 5027465 (VCV005027465.1).